The following is an entry in ClinVar:

ClinVar aggregate classification (germline): Pathogenic. Review status: criteria provided, multiple submitters, no conflicts (2 of 4 stars). 7 submissions from 7 submitters: Pathogenic (7). Last evaluated 2025-11-23.

Conditions:
Hypoparathyroidism, deafness, renal disease syndrome (HDRS). Also called: HYPOPARATHYROIDISM, SENSORINEURAL DEAFNESS, AND RENAL DYSPLASIA SYNDROME. Identifiers: Orphanet 2237, MedGen C1840333, MONDO:0007797, OMIM 146255.
GATA3-related disorder. Also called: GATA3-related condition.

Submissions (7):

Labcorp Genetics (formerly Invitae), Labcorp
Classification: Pathogenic. Last evaluated: 2025-11-23. Review status: criteria provided, single submitter. Criteria: Invitae Variant Classification Sherloc (09022015). Collection method: clinical testing. Allele origin: germline.
Comment: This sequence change creates a premature translational stop signal (p.Ala136Glyfs*168) in the GATA3 gene. It is expected to result in an absent or disrupted protein product. Loss-of-function variants in GATA3 are known to be pathogenic (PMID: 14985365, 21242646). This variant is not present in population databases (gnomAD no frequency). This premature translational stop signal has been observed in individual(s) with hypoparathyroidism, deafness, and renal dysplasia syndrome (PMID: 16509533, 21242646). This variant is also known as 405insC, c.404–405insC (p.P135fsX303). ClinVar contains an entry for this variant (Variation ID: 2136840). For these reasons, this variant has been classified as Pathogenic.

Variantyx, Inc.
Classification: Pathogenic for Hypoparathyroidism, deafness, renal disease syndrome. Last evaluated: 2025-03-31. Review status: criteria provided, single submitter. Criteria: Variantyx Assertion Criteria 2022. Collection method: clinical testing. Allele origin: germline. Inheritance: Autosomal dominant inheritance. Affected: yes.
Comment: This is a frameshift variant in the GATA3 gene (OMIM: 131320). Pathogenic variants in this gene have been associated with autosomal dominant hypoparathyroidism, sensorineural deafness, and renal dysplasia. This variant introduces a premature termination codon in exon 3 out of 6 and is expected to result in loss of function, which is a known disease mechanism for GATA3 in this disorder (PMID: 10935639, 27387476) (PVS1). It has been reported in at least 2 unrelated affected individuals (PMID: 16509533, 37095353) (PS4_Moderate). This variant has a 0.0003% maximum allele frequency in non-founder control populations (PM2). Based on the current evidence, this variant is classified as pathogenic for autosomal dominant hypoparathyroidism, sensorineural deafness, and renal dysplasia.Inter- and intrafamilial clinical variability has been described (PMID: 27387476).

PreventionGenetics, part of Exact Sciences
Classification: Pathogenic for GATA3-related condition. Last evaluated: 2025-03-17. Review status: criteria provided, single submitter. Criteria: ACMG Guidelines, 2015. Collection method: clinical testing. Allele origin: germline.
Comment: The GATA3 c.404dupC variant is predicted to result in a frameshift and premature protein termination (p.Ala136Glyfs*168). This variant has been reported in multiple individuals with hypoparathyroidism, deafness and renal dysplasia (Reported as 405insC in Adachi et al. 2006. PubMed ID: 16509533; Reported as c.404-405insC in Fukami. et al 2011. PubMed ID: 21242646; Huang et al. 2023. PubMed ID: 37095353). This variant has not been reported in a large population database (gnomAD), indicating this variant is rare. Frameshift variants in GATA3 are expected to be pathogenic. This variant is interpreted as pathogenic.

GeneDx
Classification: Pathogenic. Last evaluated: 2024-10-10. Review status: criteria provided, single submitter. Criteria: GeneDx Variant Classification Process June 2021. Collection method: clinical testing. Allele origin: germline. Affected: yes.
Comment: Frameshift variant predicted to result in protein truncation or nonsense mediated decay in a gene for which loss of function is a known mechanism of disease; Not observed at significant frequency in large population cohorts (gnomAD); This variant is associated with the following publications: (PMID: Dinoi2022[Abstract], 37095353, 33111899, 21242646, 16509533, Mazoni2020[Abstract], 37984685, 17210674)

Daryl Scott Lab, Baylor College of Medicine
Classification: Pathogenic for Hypoparathyroidism, deafness, renal disease syndrome. Last evaluated: 2024-01-01. Review status: criteria provided, single submitter. Criteria: ACMG Guidelines, 2015. Collection method: clinical testing. Allele origin: de novo. Affected: yes. Observed: 1 heterozygote.
Comment: PVS1, PS2, PM2

Blueprint Genetics
Classification: Pathogenic for GATA3-related disorders. Last evaluated: 2022-09-13. Review status: criteria provided, single submitter. Criteria: ACMG Guidelines, 2015. Collection method: clinical testing. Allele origin: germline. Affected: yes. Observed: 1 variant allele.

Mayo Clinic Laboratories, Mayo Clinic
Classification: Pathogenic. Last evaluated: 2022-09-08. Review status: criteria provided, single submitter. Criteria: ACMG Guidelines, 2015. Collection method: clinical testing. Allele origin: germline. Observed: 1 variant allele.
Comment: PP1, PM2, PM6, PS4_moderate, PVS1

Literature cited by the submitters: PubMed 14985365 (cited by Labcorp Genetics (formerly Invitae), Labcorp); PubMed 21242646 (cited by Labcorp Genetics (formerly Invitae), Labcorp and Mayo Clinic Laboratories, Mayo Clinic); PubMed 16509533 (cited by 3 submitters); PubMed 10935639 (cited by Variantyx, Inc.); PubMed 27387476 (cited by Variantyx, Inc.); PubMed 37095353 (cited by Variantyx, Inc.); PubMed 17210674 (cited by Mayo Clinic Laboratories, Mayo Clinic).

NM_001002295.2(GATA3):c.404dup (p.Ala136fs)

Gene: GATA3 (GATA binding protein 3; plus strand). Cytogenetic location: 10p14.
Variant type: Duplication.
Coding change: c.404dup on transcript NM_001002295.2 (MANE Select); coding-DNA position 404, one base duplicated (C; older notation c.404dupC).
Protein change: p.Ala136fs; shifts the reading frame from alanine 136.
Molecular consequence: frameshift variant.
Genome position (GRCh38, 1-based): chr10:8,058,467, C duplicated; the last of 6 consecutive C bases (chr10:8,058,462-8,058,467); duplicating any one gives the same sequence. VCF-style (leftmost placement, unchanged base first): chr10-8058461-A-AC. GRCh37 (hg19) VCF-style: chr10-8100424-A-AC.
Other names: p.Ala136Glyfs*168; c.404dup, p.Ala136fs (NM_002051.3); c.404dup (NM_001002295.1); c.404dupC (NM_001002295.1); short protein forms A136fs.
Identifiers: ClinVar variation 2136840 (VCV002136840.10), dbSNP rs772396478, ClinGen allele CA5404353.